The following is an entry in ClinVar:

ClinVar aggregate classification (germline): Conflicting classifications of pathogenicity. Review status: criteria provided, conflicting classifications (1 of 4 stars). 9 submissions from 9 submitters: Uncertain significance (7); Likely benign (1). 1 of the submissions does not count toward it. Last evaluated 2025-11-26.

Conditions:
Hereditary cancer-predisposing syndrome. Also called: Tumor predisposition; Hereditary Cancer Syndrome; Hereditary neoplastic syndrome; Neoplastic Syndromes, Hereditary. Identifiers: Orphanet 140162, MedGen C0027672, MeSH D009386, MONDO:0015356.
Hereditary diffuse gastric adenocarcinoma (HDGC). Also called: DIFFUSE GASTRIC AND LOBULAR BREAST CANCER SYNDROME. Identifiers: Orphanet 26106, MedGen C1708349, MONDO:0007648, OMIM 137215.
Familial cancer of breast. Also called: BREAST CANCER, FAMILIAL; hereditary breast carcinoma; Hereditary breast cancer. Identifiers: Orphanet 227535, MedGen C0346153, MONDO:0016419, OMIM 114480. Disease mechanism: loss of function.

Allele frequency attached by ClinVar (database versions not stated): ExAC 0.00001; gnomAD exomes 0.00001; TOPMed 0.00003; gnomAD 0.00006.
gnomAD v4.1: 9 of 1,613,974 alleles (0.00056%); highest among the groups gnomAD compares: African/African-American, 0.0093%; no homozygotes.

Submissions (9):

Labcorp Genetics (formerly Invitae), Labcorp
Classification: Uncertain significance for Hereditary diffuse gastric adenocarcinoma. Last evaluated: 2025-11-26. Review status: criteria provided, single submitter. Criteria: Invitae Variant Classification Sherloc (09022015). Collection method: clinical testing. Allele origin: germline.
Comment: This sequence change replaces threonine, which is neutral and polar, with asparagine, which is neutral and polar, at codon 414 of the CDH1 protein (p.Thr414Asn). This variant is present in population databases (rs755571454, gnomAD 0.02%). This variant has not been reported in the literature in individuals affected with CDH1-related conditions. ClinVar contains an entry for this variant (Variation ID: 184801). An algorithm developed to predict the effect of missense changes on protein structure and function (PolyPhen-2) suggests that this variant is likely to be tolerated. In summary, the available evidence is currently insufficient to determine the role of this variant in disease. Therefore, it has been classified as a Variant of Uncertain Significance.

Ambry Genetics
Classification: Likely benign for Hereditary cancer-predisposing syndrome. Last evaluated: 2025-02-24. Review status: criteria provided, single submitter. Criteria: Ambry Variant Classification Scheme 2023. Collection method: clinical testing. Allele origin: germline.

Color Diagnostics, LLC DBA Color Health
Classification: Uncertain significance for Hereditary cancer-predisposing syndrome. Last evaluated: 2024-07-01. Review status: criteria provided, single submitter. Criteria: ACMG Guidelines, 2015. Collection method: clinical testing. Allele origin: germline.
Comment: This missense variant replaces threonine with asparagine at codon 414 of the CDH1 protein. To our knowledge, functional studies have not been reported for this variant. This variant has been reported in an individual affected with early-onset, colorectal signet-ring cell carcinoma (PMID: 32147272), as well as in individuals with a personal or family history of breast cancer (PMID: 36436516). This variant has been identified in 5/282882 chromosomes in the general population by the Genome Aggregation Database (gnomAD). The available evidence is insufficient to determine the role of this variant in disease conclusively. Therefore, this variant is classified as a Variant of Uncertain Significance.

Baylor Genetics
Classification: Uncertain significance for Familial cancer of breast. Last evaluated: 2023-12-06. Review status: criteria provided, single submitter. Criteria: ACMG Guidelines, 2015. Collection method: clinical testing. Allele origin: unknown.

GeneDx
Classification: Uncertain significance. Last evaluated: 2023-11-13. Review status: criteria provided, single submitter. Criteria: GeneDx Variant Classification Process June 2021. Collection method: clinical testing. Allele origin: germline. Affected: yes.
Comment: Not observed at significant frequency in large population cohorts (gnomAD); In silico analysis supports that this missense variant does not alter protein structure/function; Has not been previously published as pathogenic or benign to our knowledge; This variant is associated with the following publications: (PMID: 32147272, 15235021, 22850631)

European Reference Network on Genetic Tumour Risk Syndromes (ERN-GENTURIS), i3s - Instituto de Investigação e Inovação em Saúde, University of Porto
Classification: Uncertain significance for Hereditary diffuse gastric adenocarcinoma. Last evaluated: 2022-08-01. Review status: criteria provided, single submitter. Criteria: Lee et al. (Hum Mutat. 2018). Collection method: clinical testing. Allele origin: germline. Inheritance: Autosomal dominant inheritance. Affected: no. Study: ERN GENTURIS.
Comment: Not applicable criteria (PMID: 30311375)

St. Jude Molecular Pathology, St. Jude Children's Research Hospital
Classification: Uncertain significance for Hereditary diffuse gastric adenocarcinoma. Last evaluated: 2021-08-19. Review status: criteria provided, single submitter. Criteria: St. Jude Assertion Criteria 2020. Collection method: clinical testing. Allele origin: germline.
Comment: The CDH1 c.1241C>A (p.Thr414Asn) missense change has a maximum subpopulation frequency of 0.016% in gnomAD v2.1.1 with a maximum of 4 alleles present in a subpopulation. Guidelines for the classification of CDH1 germline variants recommend that BS1 is applied when 5 or more alleles are present in a subpopulation. Seven of seven in silico tools predict a benign effect of this variant on protein function, however these predictions have not been confirmed by functional assays. BP4 is not applied since in silico data is not recommended for use in CDH1 variant curation. To our knowledge, this variant has not been reported in individuals with hereditary diffuse gastric cancer. In summary, this variant meets criteria to be classified as of uncertain significance based on the ACMG/AMP criteria, as specified by the CDH1 Variant Curation Expert Panel (PMID: 30311375): no criteria met.

Women's Health and Genetics/Laboratory Corporation of America, LabCorp
Classification: Uncertain significance. Last evaluated: 2020-09-29. Review status: criteria provided, single submitter. Criteria: LabCorp Variant Classification Summary - May 2015. Collection method: clinical testing. Allele origin: germline.
Comment: Variant summary: CDH1 c.1241C>A (p.Thr414Asn) results in a non-conservative amino acid change located in the Cadherin-like of the encoded protein sequence. Three of five in-silico tools predict a benign effect of the variant on protein function. The variant allele was found at a frequency of 1.2e-05 in 251490 control chromosomes. The available data on variant occurrences in the general population are insufficient to allow any conclusion about variant significance. c.1241C>A has been reported in the literature, without strong evidence for causality (Aitchison_2020). To our knowledge, no experimental evidence demonstrating an impact on protein function has been reported. Four clinical diagnostic laboratories have submitted clinical-significance assessments for this variant to ClinVar after 2014 without evidence for independent evaluation. All laboratories classified the variant as uncertain significance. Based on the evidence outlined above, the variant was classified as uncertain significance.

Department of Pathology and Laboratory Medicine, Sinai Health System
Classification: Uncertain significance for Hereditary diffuse gastric adenocarcinoma. Review status: no assertion criteria provided. Collection method: clinical testing. Allele origin: unknown. Affected: yes. Study: The Canadian Open Genetics Repository (COGR). Not counted in ClinVar's aggregate classification.
Comment: The CDH1 p.Thr414Asn variant was not identified in the literature. The variant was identified in dbSNP (ID: rs755571454) â€šÃ„ÃºWith Uncertain significance alleleâ€šÃ„Ã¹ and ClinVar (classified as uncertain significance by Ambry Genetics, Invitae, GeneDx and Integrated Genetics/Laboratory Corporation of America). The variant was identified in control databases in 6 of 277224 chromosomes at a frequency of 0.00002 (Genome Aggregation Database Feb 27, 2017), observed in the following populations: African in 4 of 24032 chromosomes (freq: 0.0002), Other in 1 of 6466 chromosomes (freq: 0.0002) and Latino in 1 of 34420 chromosomes (freq: 0.00003), while it was not observed in the European, Ashkenazi Jewish, East Asian, Finnish or South Asian populations. The p.Thr414 residue falls within the cadherin-like protein domain and is not conserved in mammals; computational analyses (PolyPhen-2, SIFT, AlignGVGD, BLOSUM, MutationTaster) do not suggest a high likelihood the Asn variant impacts the protein; however, this information is not predictive enough to rule out pathogenicity. The variant occurs outside of the splicing consensus sequence and in silico or computational prediction software programs (SpliceSiteFinder, MaxEntScan, NNSPLICE, GeneSplicer) do not predict a difference in splicing. In summary, based on the above information, the clinical significance of this variant cannot be determined with certainty at this time. This variant is classified as a variant of uncertain significance.

Literature cited by the submitters: PubMed 32147272 (cited by Color Diagnostics, LLC DBA Color Health and Women's Health and Genetics/Laboratory Corporation of America, LabCorp); PubMed 36436516 (cited by Color Diagnostics, LLC DBA Color Health and European Reference Network on Genetic Tumour Risk Syndromes (ERN-GENTURIS), i3s - Instituto de Investigação e Inovação em Saúde, University of Porto).

NM_004360.5(CDH1):c.1241C>A (p.Thr414Asn)

Gene: CDH1 (cadherin 1; plus strand). Cytogenetic location: 16q22.1.
Variant type: single nucleotide variant.
Coding change: c.1241C>A on transcript NM_004360.5 (MANE Select); coding-DNA position 1241, C replaced by A.
Protein change: p.Thr414Asn; replaces threonine 414 with asparagine.
Molecular consequence: missense variant. On other transcripts: 5 prime UTR variant (2), intron variant (1).
Genome position (GRCh38, 1-based): chr16:68,813,416, C>A. VCF-style: chr16-68813416-C-A. GRCh37 (hg19) VCF-style: chr16-68847319-C-A.
Other names: c.1241C>A (LRG_301t1); c.-375C>A (NM_001317185.2); c.-579C>A (NM_001317186.2); c.1137+1153C>A (NM_001317184.2); short protein forms T414N.
Identifiers: ClinVar variation 184801 (VCV000184801.31), dbSNP rs755571454, ClinGen allele CA190083.